The following is an entry in ClinVar:

ClinVar aggregate classification (germline): Conflicting classifications of pathogenicity. Review status: criteria provided, conflicting classifications (1 of 4 stars). 2 submissions from 2 submitters: Uncertain significance (1); Likely benign (1). Last evaluated 2024-08-01.

Conditions:
Inborn genetic diseases. Identifiers: MedGen C0950123, MeSH D030342.
Developmental and epileptic encephalopathy, 1 (DEE1). Also called: INFANTILE SPASM SYNDROME, X-LINKED 1; Epileptic encephalopathy, early infantile, 1; X-linked infantile spasms; West's syndrome; Tonic spasms with clustering, arrest of psychomotor development and hypsarrhythmia on EEG; X-Linked Infantile Spasm Syndrome. Identifiers: MedGen C3463992, MONDO:0010632, OMIM 308350. Disease mechanism: loss of function.
Autosomal recessive spinocerebellar ataxia 12. Also called: SPINOCEREBELLAR ATAXIA WITH MENTAL RETARDATION AND EPILEPSY. Identifiers: Orphanet 284282, MedGen C3280452, MONDO:0013687, OMIM 614322.

Allele frequency attached by ClinVar (database versions not stated): gnomAD exomes below 0.00001; gnomAD 0.00001; TOPMed 0.00001.
gnomAD v4.1: 6 of 1,613,792 alleles (0.00037%); highest among the groups gnomAD compares: Non-Finnish European, 0.00051%; no homozygotes.

Submissions (2):

Ambry Genetics
Classification: Likely benign for Inborn genetic diseases. Last evaluated: 2024-08-01. Review status: criteria provided, single submitter. Criteria: Ambry Variant Classification Scheme 2023. Collection method: clinical testing. Allele origin: germline.

Labcorp Genetics (formerly Invitae), Labcorp
Classification: Uncertain significance for Developmental and epileptic encephalopathy, 1; Autosomal recessive spinocerebellar ataxia 12. Last evaluated: 2022-07-12. Review status: criteria provided, single submitter. Criteria: Invitae Variant Classification Sherloc (09022015). Collection method: clinical testing. Allele origin: germline.
Comment: In summary, the available evidence is currently insufficient to determine the role of this variant in disease. Therefore, it has been classified as a Variant of Uncertain Significance. Algorithms developed to predict the effect of missense changes on protein structure and function output the following: SIFT: "Not Available"; PolyPhen-2: "Benign"; Align-GVGD: "Not Available". The valine amino acid residue is found in multiple mammalian species, which suggests that this missense change does not adversely affect protein function. ClinVar contains an entry for this variant (Variation ID: 1383054). This variant has not been reported in the literature in individuals affected with WWOX-related conditions. This variant is not present in population databases (gnomAD no frequency). This sequence change replaces isoleucine, which is neutral and non-polar, with valine, which is neutral and non-polar, at codon 256 of the WWOX protein (p.Ile256Val).

NM_016373.4(WWOX):c.766A>G (p.Ile256Val)

Gene: WWOX (WW domain containing oxidoreductase; plus strand). Cytogenetic location: 16q23.1.
Variant type: single nucleotide variant.
Coding change: c.766A>G on transcript NM_016373.4 (MANE Select); coding-DNA position 766, A replaced by G.
Protein change: p.Ile256Val; replaces isoleucine 256 with valine.
Molecular consequence: missense variant.
Genome position (GRCh38, 1-based): chr16:78,425,030, A>G. VCF-style: chr16-78425030-A-G. GRCh37 (hg19) VCF-style: chr16-78458927-A-G.
Other names: c.766A>G (NM_016373.2); c.427A>G, p.Ile143Val (NM_001291997.2); short protein forms I256V, I143V.
Identifiers: ClinVar variation 1383054 (VCV001383054.7), dbSNP rs1023419687, ClinGen allele CA284540302.